The following is an entry in ClinVar:

NM_003238.6(TGFB2):c.565G>A (p.Val189Ile)

Gene: TGFB2 (transforming growth factor beta 2; plus strand). Cytogenetic location: 1q41.
Variant type: single nucleotide variant.
Coding change: c.565G>A on transcript NM_003238.6 (MANE Select); coding-DNA position 565, G replaced by A.
Protein change: p.Val189Ile; replaces valine 189 with isoleucine.
Molecular consequence: missense variant. On other transcripts: non-coding transcript variant (2).
Genome position (GRCh38, 1-based): chr1:218,434,136, G>A. VCF-style: chr1-218434136-G-A. GRCh37 (hg19) VCF-style: chr1-218607478-G-A.
Other names: c.649G>A, p.Val217Ile (NM_001135599.4); short protein forms V189I, V217I.
Identifiers: ClinVar variation 3455794 (VCV003455794.1).

ClinVar aggregate classification (germline): Uncertain significance (1 of 4 stars; one submission).

Conditions:
Familial thoracic aortic aneurysm and aortic dissection (TAAD). Also called: Thoracic aortic aneurysms and dissections. Identifiers: Orphanet 91387, MedGen C4707243, MONDO:0019625.

gnomAD v4.1: 1 of 1,614,200 alleles (0.000062%); highest among the groups gnomAD compares: Non-Finnish European, 0.000085%; no homozygotes.

Submission:

Ambry Genetics
Classification: Uncertain significance for Familial thoracic aortic aneurysm and aortic dissection. Last evaluated: 2024-07-14. Review status: criteria provided, single submitter. Criteria: Ambry Variant Classification Scheme 2023. Collection method: clinical testing. Allele origin: germline.
Comment: The p.V189I variant (also known as c.565G>A), located in coding exon 3 of the TGFB2 gene, results from a G to A substitution at nucleotide position 565. The valine at codon 189 is replaced by isoleucine, an amino acid with highly similar properties. This amino acid position is conserved. In addition, this alteration is predicted to be tolerated by in silico analysis. Based on the available evidence, the clinical significance of this variant remains unclear.